The following is an entry in ClinVar:

NM_007294.4(BRCA1):c.3113_3115delinsGAA (p.Glu1038_Ala1039delinsGlyThr)

Gene: BRCA1 (BRCA1 DNA repair associated; minus strand). Cytogenetic location: 17q21.31.
Variant type: Indel.
Coding change: c.3113_3115delinsGAA on transcript NM_007294.4 (MANE Select); coding-DNA positions 3113 to 3115, AAG replaced by GAA.
Protein change: p.Glu1038_Ala1039delinsGlyThr.
Molecular consequence: missense variant. On other transcripts: intron variant (137).
Genome position (GRCh38, 1-based): chr17:43,092,416-43,092,418, CTT replaced by TTC on the plus strand (AAG replaced by GAA on the coding strand, the reverse complement: BRCA1 is on the minus strand). VCF-style: chr17-43092416-CTT-TTC. GRCh37 (hg19) VCF-style: chr17-41244433-CTT-TTC.
Other names: c.3110_3112delinsGAA, p.Glu1037_Ala1038delinsGlyThr (NM_001407644.1, NM_001407645.1, NM_001407587.1 and 22 more transcripts); c.578-1386_578-1384delinsGAA (NM_001408483.1, NM_001408492.1, NM_001408513.1 and 9 more transcripts); c.665-1386_665-1384delinsGAA (NM_001408442.1, NM_001408426.1, NM_001408438.1 and 12 more transcripts); c.3104_3106delinsGAA, p.Glu1035_Ala1036delinsGlyThr (NM_001407646.1, NM_001407647.1); c.788-1386_788-1384delinsGAA (NM_001407982.1, NM_001407970.1, NM_001408404.1 and 17 more transcripts); c.2990_2992delinsGAA, p.Glu997_Ala998delinsGlyThr (NM_001407648.1, NM_001407664.1, NM_001407665.1 and 19 more transcripts); c.3035_3037delinsGAA, p.Glu1012_Ala1013delinsGlyThr (NM_001407655.1, NM_001407656.1, NM_001407653.1 and 4 more transcripts); c.3113_3115delinsGAA, p.Glu1038_Ala1039delinsGlyThr (NM_001407652.1, NM_001407581.1, NM_001407582.1 and 30 more transcripts); and 41 more.
Identifiers: ClinVar variation 3481821 (VCV003481821.1).

ClinVar aggregate classification (germline): Uncertain significance (1 of 4 stars; one submission).

Conditions:
Hereditary cancer-predisposing syndrome. Also called: Tumor predisposition; Neoplastic Syndromes, Hereditary; Hereditary Cancer Syndrome; Hereditary neoplastic syndrome. Identifiers: Orphanet 140162, MedGen C0027672, MeSH D009386, MONDO:0015356.

Submission:

Ambry Genetics
Classification: Uncertain significance for Hereditary cancer-predisposing syndrome. Last evaluated: 2024-07-17. Review status: criteria provided, single submitter. Criteria: Ambry Variant Classification Scheme 2023. Collection method: clinical testing. Allele origin: germline.
Comment: The c.3113_3115delAAGinsGAA variant (also known as p.E1038_A1039delinsGT), located in coding exon 9 of the BRCA1 gene, results from an in-frame deletion of AAG and insertion of GAA at nucleotide positions 3113 to 3115. This results in the in-frame deletion of 2 residues (EA) and insertion of 2 residues (GT) at codons 1038 to 1039. These amino acid positions are not well conserved in available vertebrate species. In addition, this alteration is predicted to be deleterious by in silico analysis (Choi Y et al. PLoS ONE. 2012; 7(10):e46688). Based on the available evidence, the clinical significance of this variant remains unclear.